The following is an entry in ClinVar:

NM_001042492.3(NF1):c.7307dup (p.Ala2437fs)

Gene: NF1 (neurofibromin 1; plus strand). Cytogenetic location: 17q11.2.
Variant type: Duplication.
Coding change: c.7307dup on transcript NM_001042492.3 (MANE Select); coding-DNA position 7307, one base duplicated (T; older notation c.7307dupT).
Protein change: p.Ala2437fs; shifts the reading frame from alanine 2437.
Molecular consequence: frameshift variant.
Genome position (GRCh38, 1-based): chr17:31,349,237, T duplicated. VCF-style (leftmost placement, unchanged base first): chr17-31349236-G-GT. GRCh37 (hg19) VCF-style: chr17-29676254-G-GT.
Other names: c.7244dupT (NM_000267.3); c.7244dup, p.Ala2416Glyfs (NM_000267.4); short protein forms A2416fs, A2437fs.
Identifiers: ClinVar variation 3237929 (VCV003237929.1), dbSNP rs2508801696.

ClinVar aggregate classification (germline): Pathogenic (1 of 4 stars; one submission).

Conditions:
Hereditary cancer-predisposing syndrome. Also called: Neoplastic Syndromes, Hereditary; Tumor predisposition; Hereditary neoplastic syndrome; Hereditary Cancer Syndrome. Identifiers: Orphanet 140162, MedGen C0027672, MeSH D009386, MONDO:0015356.
Cardiovascular phenotype. Identifiers: MedGen CN230736.

Submission:

Ambry Genetics
Classification: Pathogenic for Cardiovascular phenotype; Hereditary cancer-predisposing syndrome. Last evaluated: 2023-04-24. Review status: criteria provided, single submitter. Criteria: Ambry Variant Classification Scheme 2023. Collection method: clinical testing. Allele origin: germline.
Comment: The c.7244dupT pathogenic mutation, located in coding exon 48 of the NF1 gene, results from a duplication of T at nucleotide position 7244, causing a translational frameshift with a predicted alternate stop codon (p.A2416Gfs*11). This variant is considered to be rare based on population cohorts in the Genome Aggregation Database (gnomAD). This alteration is expected to result in loss of function by premature protein truncation or nonsense-mediated mRNA decay. As such, this alteration is interpreted as a disease-causing mutation.